The following is an entry in ClinVar:

NM_001105206.3(LAMA4):c.2651A>T (p.Tyr884Phe)

Gene: LAMA4 (laminin subunit alpha 4; minus strand). Cytogenetic location: 6q21.
Variant type: single nucleotide variant.
Coding change: c.2651A>T on transcript NM_001105206.3 (MANE Select); coding-DNA position 2651, A replaced by T.
Protein change: p.Tyr884Phe; replaces tyrosine 884 with phenylalanine.
Molecular consequence: missense variant.
Genome position (GRCh38, 1-based): chr6:112,142,135, T>A on the plus strand (A>T on the coding strand, the complement: LAMA4 is on the minus strand). VCF-style: chr6-112142135-T-A. GRCh37 (hg19) VCF-style: chr6-112463337-T-A.
Other names: c.2630A>T, p.Tyr877Phe (NM_001105207.3, NM_002290.5); short protein forms Y884F, Y877F.
Identifiers: ClinVar variation 3648973 (VCV003648973.2).

ClinVar aggregate classification (germline): Uncertain significance (1 of 4 stars; one submission).

Conditions:
Dilated cardiomyopathy 1JJ (CMD1JJ). Identifiers: Orphanet 154, MedGen C3808935, MONDO:0014095, OMIM 615235.

gnomAD v4.1: 2 of 1,614,068 alleles (0.00012%); highest among the groups gnomAD compares: South Asian, 0.0022%; no homozygotes.

Submission:

Labcorp Genetics (formerly Invitae), Labcorp
Classification: Uncertain significance for Dilated cardiomyopathy 1JJ. Last evaluated: 2024-04-06. Review status: criteria provided, single submitter. Criteria: Invitae Variant Classification Sherloc (09022015). Collection method: clinical testing. Allele origin: germline.
Comment: This sequence change replaces tyrosine, which is neutral and polar, with phenylalanine, which is neutral and non-polar, at codon 877 of the LAMA4 protein (p.Tyr877Phe). This variant is not present in population databases (gnomAD no frequency). This variant has not been reported in the literature in individuals affected with LAMA4-related conditions. An algorithm developed to predict the effect of missense changes on protein structure and function (PolyPhen-2) suggests that this variant is likely to be disruptive. In summary, the available evidence is currently insufficient to determine the role of this variant in disease. Therefore, it has been classified as a Variant of Uncertain Significance.